The following is an entry in ClinVar:

NM_020987.5(ANK3):c.6763C>T (p.His2255Tyr)

Genes: ANK3 (ankyrin 3; minus strand), LOC130003862 (ATAC-STARR-seq lymphoblastoid active region 3393; plus strand). Cytogenetic location: 10q21.2.
Variant type: single nucleotide variant.
Coding change: c.6763C>T on transcript NM_020987.5 (MANE Select); coding-DNA position 6763, C replaced by T.
Protein change: p.His2255Tyr; replaces histidine 2255 with tyrosine.
Molecular consequence: missense variant. On other transcripts: intron variant (4).
Genome position (GRCh38, 1-based): chr10:60,074,118, G>A on the plus strand (C>T on the coding strand, the complement: ANK3 is on the minus strand). VCF-style: chr10-60074118-G-A. GRCh37 (hg19) VCF-style: chr10-61833876-G-A.
Other names: c.4388-6109C>T (NM_001204403.2); c.4409-6109C>T (NM_001204404.2); c.4406-6109C>T (NM_001320874.2); c.1808-6109C>T (NM_001149.4); short protein forms H2255Y.
Identifiers: ClinVar variation 3119982 (VCV003119982.3), dbSNP rs370076474, ClinGen allele CA207325639.
Genomic context (GRCh38, chr10:60,074,118, plus strand): 5'-CATGGACTGACATGGTTTCTTCAATTCTTTCAGATGCACCTTCACCGCCTGGTGGAGAAT[G>A]ATAAACCATTCTGGTGGTTGTGGTTATGTGAGTCTCTTCTTTAACACGCATGCCTTTGCT-3'
Protein context (NP_066267.2, residues 2245-2265): HITTTTRMVY[His2255Tyr]SPPGGEGASE

ClinVar aggregate classification (germline): Uncertain significance. Review status: criteria provided, multiple submitters, no conflicts (2 of 4 stars). 2 submissions from 2 submitters: Uncertain significance (2). Last evaluated 2024-10-22.

Conditions:
Inborn genetic diseases. Identifiers: MedGen C0950123, MeSH D030342.

Allele frequency attached by ClinVar (database versions not stated): gnomAD 0.00001; TOPMed 0.00001; gnomAD exomes 0.00002; ESP Exome Variant Server 0.00008.

Submissions (2):

Labcorp Genetics (formerly Invitae), Labcorp
Classification: Uncertain significance. Last evaluated: 2024-10-22. Review status: criteria provided, single submitter. Criteria: Invitae Variant Classification Sherloc (09022015). Collection method: clinical testing. Allele origin: germline.
Comment: This sequence change replaces histidine, which is basic and polar, with tyrosine, which is neutral and polar, at codon 2255 of the ANK3 protein (p.His2255Tyr). This variant is present in population databases (rs370076474, gnomAD 0.002%). This variant has not been reported in the literature in individuals affected with ANK3-related conditions. Invitae Evidence Modeling of protein sequence and biophysical properties (such as structural, functional, and spatial information, amino acid conservation, physicochemical variation, residue mobility, and thermodynamic stability) indicates that this missense variant is expected to disrupt ANK3 protein function with a positive predictive value of 80%. In summary, the available evidence is currently insufficient to determine the role of this variant in disease. Therefore, it has been classified as a Variant of Uncertain Significance.

Ambry Genetics
Classification: Uncertain significance for Inborn genetic diseases. Last evaluated: 2023-10-20. Review status: criteria provided, single submitter. Criteria: Ambry Variant Classification Scheme 2023. Collection method: clinical testing. Allele origin: germline.